The following is an entry in ClinVar:

NM_014795.4(ZEB2):c.3218A>G (p.His1073Arg)

Gene: ZEB2 (zinc finger E-box binding homeobox 2; minus strand). Cytogenetic location: 2q22.3.
Variant type: single nucleotide variant.
Coding change: c.3218A>G on transcript NM_014795.4 (MANE Select); coding-DNA position 3218, A replaced by G.
Protein change: p.His1073Arg; replaces histidine 1073 with arginine.
Molecular consequence: missense variant.
Genome position (GRCh38, 1-based): chr2:144,389,878, T>C on the plus strand (A>G on the coding strand, the complement: ZEB2 is on the minus strand). VCF-style: chr2-144389878-T-C. GRCh37 (hg19) VCF-style: chr2-145147445-T-C.
Other names: c.3146A>G, p.His1049Arg (NM_001171653.2); c.3218A>G (NM_014795.3); short protein forms H1049R, H1073R.
Identifiers: ClinVar variation 871532 (VCV000871532.41), dbSNP rs1703133873, ClinGen allele CA348700242.

ClinVar aggregate classification (germline): Pathogenic. Review status: criteria provided, multiple submitters, no conflicts (2 of 4 stars). 2 submissions from 2 submitters: Pathogenic (2). Last evaluated 2024-09-13.

Submissions (2):

GeneDx
Classification: Pathogenic. Last evaluated: 2024-09-13. Review status: criteria provided, single submitter. Criteria: GeneDx Variant Classification Process June 2021. Collection method: clinical testing. Allele origin: germline. Affected: yes.
Comment: Not observed at significant frequency in large population cohorts (gnomAD); In silico analysis supports that this missense variant has a deleterious effect on protein structure/function; This variant is associated with the following publications: (PMID: 16053902, 31278258, 29024826)

CeGaT Center for Human Genetics Tuebingen
Classification: Pathogenic. Last evaluated: 2019-10-01. Review status: criteria provided, single submitter. Criteria: CeGaT Center For Human Genetics Tuebingen Variant Classification Criteria Version 2. Collection method: clinical testing. Allele origin: germline. Affected: yes. Observed: 1 variant allele.